The following is an entry in ClinVar:

NM_001365536.1(SCN9A):c.5272G>A (p.Val1758Ile)

Genes: SCN9A (sodium voltage-gated channel alpha subunit 9; minus strand), SCN1A-AS1 (SCN1A and SCN9A antisense RNA 1; plus strand). Cytogenetic location: 2q24.3.
Variant type: single nucleotide variant.
Coding change: c.5272G>A on transcript NM_001365536.1 (MANE Select); coding-DNA position 5272, G replaced by A.
Protein change: p.Val1758Ile; replaces valine 1758 with isoleucine.
Molecular consequence: missense variant.
Genome position (GRCh38, 1-based): chr2:166,199,367, C>T on the plus strand (G>A on the coding strand, the complement: SCN9A is on the minus strand). VCF-style: chr2-166199367-C-T. GRCh37 (hg19) VCF-style: chr2-167055877-C-T.
Other names: c.5239G>A, p.Val1747Ile (NM_002977.4); short protein forms V1747I, V1758I.
Identifiers: ClinVar variation 650662 (VCV000650662.11), dbSNP rs1574692435, ClinGen allele CA349053822.

ClinVar aggregate classification (germline): Uncertain significance. Review status: criteria provided, multiple submitters, no conflicts (2 of 4 stars). 2 submissions from 2 submitters: Uncertain significance (2). Last evaluated 2024-03-21.

Conditions:
Neuropathy, hereditary sensory and autonomic, type 2A (HSAN2A). Also called: WNK1-Related HSAN2 (HSAN2A); MORVAN DISEASE; NEUROPATHY, CONGENITAL SENSORY; NEUROPATHY, HEREDITARY SENSORY RADICULAR, AUTOSOMAL RECESSIVE; NEUROPATHY, HEREDITARY SENSORY, TYPE IIA; NEUROPATHY, PROGRESSIVE SENSORY, OF CHILDREN. Identifiers: Orphanet 970, MedGen C2752089, MONDO:0024309, OMIM 201300.
Generalized epilepsy with febrile seizures plus, type 7 (GEFSP7). Also called: GEFS+, TYPE 7. Identifiers: Orphanet 36387, MedGen C2751778, MONDO:0013470, OMIM 613863.
Inborn genetic diseases. Identifiers: MedGen C0950123, MeSH D030342.

gnomAD v4.1: 3 of 1,614,164 alleles (0.00019%); highest among the groups gnomAD compares: Non-Finnish European, 0.00017%; no homozygotes.

Submissions (2):

Labcorp Genetics (formerly Invitae), Labcorp
Classification: Uncertain significance for Neuropathy, hereditary sensory and autonomic, type 2A; Generalized epilepsy with febrile seizures plus, type 7. Last evaluated: 2024-03-21. Review status: criteria provided, single submitter. Criteria: Invitae Variant Classification Sherloc (09022015). Collection method: clinical testing. Allele origin: germline.
Comment: This sequence change replaces valine, which is neutral and non-polar, with isoleucine, which is neutral and non-polar, at codon 1747 of the SCN9A protein (p.Val1747Ile). This variant is not present in population databases (gnomAD no frequency). This variant has not been reported in the literature in individuals affected with SCN9A-related conditions. ClinVar contains an entry for this variant (Variation ID: 650662). Advanced modeling of protein sequence and biophysical properties (such as structural, functional, and spatial information, amino acid conservation, physicochemical variation, residue mobility, and thermodynamic stability) performed at Invitae indicates that this missense variant is not expected to disrupt SCN9A protein function with a negative predictive value of 95%. In summary, the available evidence is currently insufficient to determine the role of this variant in disease. Therefore, it has been classified as a Variant of Uncertain Significance.

Ambry Genetics
Classification: Uncertain significance for Inborn genetic diseases. Last evaluated: 2021-03-30. Review status: criteria provided, single submitter. Criteria: Ambry Variant Classification Scheme 2023. Collection method: clinical testing. Allele origin: germline.
Comment: The p.V1747I variant (also known as c.5239G>A), located in coding exon 26 of the SCN9A gene, results from a G to A substitution at nucleotide position 5239. The valine at codon 1747 is replaced by isoleucine, an amino acid with highly similar properties. This amino acid position is well conserved in available vertebrate species. In addition, the in silico prediction for this alteration is inconclusive. Since supporting evidence is limited at this time, the clinical significance of this alteration remains unclear.